The following continues an entry in ClinVar:

NM_000518.5(HBB):c.-78A>G

ClinVar aggregate classification (germline): Pathogenic/Likely pathogenic. Pathogenic (14); Likely pathogenic (1).

Submissions 13 to 18 of 18:

Women's Health and Genetics/Laboratory Corporation of America, LabCorp
Classification: Pathogenic for Beta Thalassemia. Last evaluated: 2011-08-18. Review status: criteria provided, single submitter. Criteria: LabCorp Variant Classification Summary - May 2015. Collection method: curation, clinical testing. Allele origin: germline. Inheritance: autosomal recessive. Affected: yes. Observed: 20 variant alleles.
ClinVar note: Converted during submission from pathogenic to Pathogenic.

Baylor Genetics
Classification: Pathogenic for Hb SS disease. Review status: criteria provided, single submitter. Criteria: ACMG Guidelines, 2015. Collection method: clinical testing. Allele origin: germline.

Juno Genomics, Hangzhou Juno Genomics, Inc
Classification: Pathogenic for Malaria, susceptibility to; Hereditary persistence of fetal hemoglobin; Erythrocytosis, familial, 6; Heinz body anemia; METHEMOGLOBINEMIA, BETA TYPE; Hb SS disease; Dominant beta-thalassemia; Beta-thalassemia HBB/LCRB. Review status: criteria provided, single submitter. Criteria: ACMG Guidelines, 2015. Collection method: clinical testing. Allele origin: germline.
Comment: For recessive disorders, detected in trans with a pathogenic variant.;Well-established in vitro or in vivo functional studies supportive of a damaging effect on the gene or gene product.

The ITHANET community portal, The Cyprus Institute of Neurology and Genetics
Classification: Pathogenic for beta Thalassemia. Last evaluated: 2019-11-25. Review status: no assertion criteria provided. Collection method: curation. Allele origin: germline. Not counted in ClinVar's aggregate classification.

OMIM
Classification: Pathogenic for BETA-PLUS-THALASSEMIA. Last evaluated: 1983-07-25. Review status: no assertion criteria provided. Collection method: literature only. Allele origin: germline. Not counted in ClinVar's aggregate classification.

GeneReviews
No classification provided. Condition: beta Thalassemia. Review status: no classification provided. Collection method: literature only. Allele origin: germline. Not counted in ClinVar's aggregate classification.

Literature cited by the submitters: PubMed 12651274 (cited by Natera, Inc.); PubMed 9160698 (cited by 4 submitters); PubMed 15182058 (cited by Natera, Inc.); PubMed 12955718 (cited by Natera, Inc. and Women's Health and Genetics/Laboratory Corporation of America, LabCorp); PubMed 6308558 (cited by 8 submitters); PubMed 28865746 (cited by Otogenetics); PubMed 28385923 (cited by 3 submitters); PubMed 20035706 (cited by 3 submitters); PubMed 2014803 (cited by Labcorp Genetics (formerly Invitae), Labcorp and Women's Health and Genetics/Laboratory Corporation of America, LabCorp); PubMed 8435318 (cited by 3 submitters); PubMed 20412082 (cited by Women's Health and Genetics/Laboratory Corporation of America, LabCorp); PubMed 3403716 (cited by Women's Health and Genetics/Laboratory Corporation of America, LabCorp); PubMed 19460936 (cited by Women's Health and Genetics/Laboratory Corporation of America, LabCorp); PubMed 2875755 (cited by Women's Health and Genetics/Laboratory Corporation of America, LabCorp); PubMed 19631632 (cited by Women's Health and Genetics/Laboratory Corporation of America, LabCorp); PubMed 17486493 (cited by Women's Health and Genetics/Laboratory Corporation of America, LabCorp); PubMed 8330981 (cited by Women's Health and Genetics/Laboratory Corporation of America, LabCorp); NCBI Bookshelf NBK1426 (cited by GeneReviews).